The following is an entry in ClinVar:

ClinVar aggregate classification (germline): Likely pathogenic. Review status: criteria provided, multiple submitters, no conflicts (2 of 4 stars). 2 submissions from 2 submitters: Likely pathogenic (2). Last evaluated 2026-02-24.

Conditions:
Cardiovascular phenotype. Identifiers: MedGen CN230736.

gnomAD v4.1: 2 of 1,613,634 alleles (0.00012%); highest among the groups gnomAD compares: Admixed American, 0.0017%; no homozygotes.

Submissions (2):

GeneDx
Classification: Likely pathogenic. Last evaluated: 2026-02-24. Review status: criteria provided, single submitter. Criteria: GeneDx Variant Classification Process June 2021. Collection method: clinical testing. Allele origin: germline.
Comment: Has not been previously published as pathogenic or benign to our knowledge; Not observed at significant frequency in large population cohorts (gnomAD); Nonsense variant predicted to result in protein truncation or nonsense mediated decay in a gene for which loss of function is a known mechanism of disease

Molecular Diagnostic Laboratory for Inherited Cardiovascular Disease, Montreal Heart Institute
Classification: Likely pathogenic for Cardiovascular phenotype. Last evaluated: 2024-05-23. Review status: criteria provided, single submitter. Criteria: ACMG Guidelines, 2015. Collection method: clinical testing. Allele origin: germline. Affected: yes.
Comment: PVS1, PM2

NM_020778.5(ALPK3):c.751C>T (p.Gln251Ter)

Gene: ALPK3 (alpha kinase 3; plus strand). Cytogenetic location: 15q25.3.
Variant type: single nucleotide variant.
Coding change: c.751C>T on transcript NM_020778.5 (MANE Select); coding-DNA position 751, C replaced by T.
Protein change: p.Gln251Ter; replaces glutamine 251 with a stop codon.
Molecular consequence: nonsense.
Genome position (GRCh38, 1-based): chr15:84,840,030, C>T. VCF-style: chr15-84840030-C-T. GRCh37 (hg19) VCF-style: chr15-85383261-C-T.
Other names: short protein forms Q251*.
Identifiers: ClinVar variation 3895332 (VCV003895332.2), dbSNP rs1963641493.
Genomic context (GRCh38, chr15:84,840,030, plus strand): 5'-CAAGCGCCGGGCCCCTCGGTCCCTACCAGGGAGCCTGAGGGTGGGACCCTGGCGGCTTGG[C>T]AGGAGGGAGAGACTGAGACTGCTCAGCACTCAGGTTTGGGCCTGATCAACAGTTTTGCTT-3'